The following is an entry in ClinVar:

NM_014425.5(INVS):c.239G>A (p.Ser80Asn)

Gene: INVS (inversin; plus strand). Cytogenetic location: 9q31.1.
Variant type: single nucleotide variant.
Coding change: c.239G>A on transcript NM_014425.5 (MANE Select); coding-DNA position 239, G replaced by A.
Protein change: p.Ser80Asn; replaces serine 80 with asparagine.
Molecular consequence: missense variant. On other transcripts: 5 prime UTR variant (2), non-coding transcript variant (1).
Genome position (GRCh38, 1-based): chr9:100,126,515, G>A. VCF-style: chr9-100126515-G-A. GRCh37 (hg19) VCF-style: chr9-102888797-G-A.
Other names: c.-138G>A (NM_001318381.2); c.-751G>A (NM_001318382.2); short protein forms S80N.
Identifiers: ClinVar variation 1443321 (VCV001443321.9), dbSNP rs1231356870, ClinGen allele CA374361011.

ClinVar aggregate classification (germline): Uncertain significance. Review status: criteria provided, multiple submitters, no conflicts (2 of 4 stars). 2 submissions from 2 submitters: Uncertain significance (2). Last evaluated 2021-09-23.

Conditions:
Nephronophthisis. Also called: Juvenile Nephronophthisis. Identifiers: Orphanet 655, MedGen C0687120, MONDO:0019005, HP:0000090.
Infantile nephronophthisis (NPHP2). Also called: Nephronophthisis 2, infantile; Nephronophthisis 2. Identifiers: Orphanet 655, Orphanet 93591, MedGen C1865872, MONDO:0011190, OMIM 602088.

Allele frequency attached by ClinVar (database versions not stated): gnomAD exomes below 0.00001 and 0.00001.
gnomAD v4.1: 9 of 1,614,162 alleles (0.00056%); highest among the groups gnomAD compares: Non-Finnish European, 0.00076%; no homozygotes.

Submissions (2):

Fulgent Genetics
Classification: Uncertain significance for Infantile nephronophthisis. Last evaluated: 2021-09-23. Review status: criteria provided, single submitter. Criteria: ACMG Guidelines, 2015. Collection method: clinical testing. Allele origin: unknown.

Labcorp Genetics (formerly Invitae), Labcorp
Classification: Uncertain significance for Nephronophthisis. Last evaluated: 2021-07-18. Review status: criteria provided, single submitter. Criteria: Invitae Variant Classification Sherloc (09022015). Collection method: clinical testing. Allele origin: germline.
Comment: In summary, the available evidence is currently insufficient to determine the role of this variant in disease. Therefore, it has been classified as a Variant of Uncertain Significance. Algorithms developed to predict the effect of missense changes on protein structure and function are either unavailable or do not agree on the potential impact of this missense change (SIFT: "Deleterious"; PolyPhen-2: "Benign"; Align-GVGD: "Class C0"). This variant has not been reported in the literature in individuals affected with INVS-related conditions. This variant is not present in population databases (ExAC no frequency). This sequence change replaces serine with asparagine at codon 80 of the INVS protein (p.Ser80Asn). The serine residue is highly conserved and there is a small physicochemical difference between serine and asparagine.